The following is an entry in ClinVar:

ClinVar aggregate classification (germline): Likely pathogenic (1 of 4 stars; one submission).

Conditions:
Schimke immuno-osseous dysplasia (SIOD). Also called: Schimke Immunoosseous Dysplasia. Identifiers: Orphanet 1830, MedGen C0877024, MONDO:0009458, OMIM 242900.

Submission:

Natera, Inc.
Classification: Likely pathogenic for Schimke immuno-osseous dysplasia. Last evaluated: 2024-05-21. Review status: criteria provided, single submitter. Criteria: Natera Variant Classification Schema (03/2026). Collection method: clinical testing. Allele origin: germline.
Comment: The c.248_251delinsCCC variant in SMARCAL1 is a frameshift variant predicted to shift the reading frame beginning at codon 83 and leads to a stop codon 57 codons downstream. This variant is expected to result in nonsense mediated decay, truncation, or a dysfunctional protein product. This variant is rare in the general population with a frequency below the threshold expected for the associated phenotype(s). Given the available evidence, this variant is classified as Likely Pathogenic.

NM_014140.4(SMARCAL1):c.248_251delinsCCC (p.Asp83fs)

Gene: SMARCAL1 (SNF2 related chromatin remodeling annealing helicase 1; plus strand). Cytogenetic location: 2q35.
Variant type: Indel.
Coding change: c.248_251delinsCCC on transcript NM_014140.4 (MANE Select); coding-DNA positions 248 to 251, ACCA replaced by CCC.
Protein change: p.Asp83fs; shifts the reading frame from aspartic acid 83.
Molecular consequence: frameshift variant.
Genome position (GRCh38, 1-based): chr2:216,414,952-216,414,955, ACCA replaced by CCC. VCF-style: chr2-216414952-ACCA-CCC. GRCh37 (hg19) VCF-style: chr2-217279675-ACCA-CCC.
Other names: c.248_251delinsCCC, p.Asp83fs (NM_001127207.2); c.248_251delACCAinsCCC, p.Asp83Alafs (NM_014140.3); short protein forms D83fs.
Identifiers: ClinVar variation 4815605 (VCV004815605.1).